The following is an entry in ClinVar:

NM_000170.3(GLDC):c.2970T>G (p.Asp990Glu)

Gene: GLDC (glycine decarboxylase; minus strand). Cytogenetic location: 9p24.1.
Variant type: single nucleotide variant.
Coding change: c.2970T>G on transcript NM_000170.3 (MANE Select); coding-DNA position 2970, T replaced by G.
Protein change: p.Asp990Glu; replaces aspartic acid 990 with glutamic acid.
Molecular consequence: missense variant.
Genome position (GRCh38, 1-based): chr9:6,533,110, A>C on the plus strand (T>G on the coding strand, the complement: GLDC is on the minus strand). VCF-style: chr9-6533110-A-C. GRCh37 (hg19) VCF-style: chr9-6533110-A-C.
Other names: short protein forms D990E.
Identifiers: ClinVar variation 2123316 (VCV002123316.2), dbSNP rs764054067, ClinGen allele CA372881683.

ClinVar aggregate classification (germline): Uncertain significance (1 of 4 stars; one submission).

Conditions:
Glycine encephalopathy. Also called: Non-ketotic hyperglycinemia; Nonketotic hyperglycinemia. Identifiers: Orphanet 407, MedGen C0751748, MONDO:0011612, HP:0008288.

gnomAD v4.1: 1 of 1,612,452 alleles (0.000062%); highest among the groups gnomAD compares: Non-Finnish European, 0.000085%; no homozygotes.

Submission:

Labcorp Genetics (formerly Invitae), Labcorp
Classification: Uncertain significance for Glycine encephalopathy. Last evaluated: 2022-04-08. Review status: criteria provided, single submitter. Criteria: Invitae Variant Classification Sherloc (09022015). Collection method: clinical testing. Allele origin: germline.
Comment: In summary, the available evidence is currently insufficient to determine the role of this variant in disease. Therefore, it has been classified as a Variant of Uncertain Significance. Algorithms developed to predict the effect of missense changes on protein structure and function are either unavailable or do not agree on the potential impact of this missense change (SIFT: "Deleterious"; PolyPhen-2: "Probably Damaging"; Align-GVGD: "Class C0"). This variant has not been reported in the literature in individuals affected with GLDC-related conditions. This variant is not present in population databases (gnomAD no frequency). This sequence change replaces aspartic acid, which is acidic and polar, with glutamic acid, which is acidic and polar, at codon 990 of the GLDC protein (p.Asp990Glu).